The following is an entry in ClinVar:

ClinVar aggregate classification (germline): Uncertain significance (1 of 4 stars; one submission).

Conditions:
RYR1-related disorder. Also called: RYR1-related condition; RYR1-related disorders. Identifiers: MedGen CN239331.

Submission:

Labcorp Genetics (formerly Invitae), Labcorp
Classification: Uncertain significance for RYR1-related disorder. Last evaluated: 2023-08-08. Review status: criteria provided, single submitter. Criteria: Invitae Variant Classification Sherloc (09022015). Collection method: clinical testing. Allele origin: germline.
Comment: In summary, the available evidence is currently insufficient to determine the role of this variant in disease. Therefore, it has been classified as a Variant of Uncertain Significance. Advanced modeling of protein sequence and biophysical properties (such as structural, functional, and spatial information, amino acid conservation, physicochemical variation, residue mobility, and thermodynamic stability) performed at Invitae indicates that this missense variant is expected to disrupt RYR1 protein function. This variant has not been reported in the literature in individuals affected with RYR1-related conditions. This variant is not present in population databases (gnomAD no frequency). This sequence change replaces valine, which is neutral and non-polar, with glutamic acid, which is acidic and polar, at codon 1672 of the RYR1 protein (p.Val1672Glu).

NM_000540.3(RYR1):c.5015T>A (p.Val1672Glu)

Gene: RYR1 (ryanodine receptor 1; plus strand). Cytogenetic location: 19q13.2.
Variant type: single nucleotide variant.
Coding change: c.5015T>A on transcript NM_000540.3 (MANE Select); coding-DNA position 5015, T replaced by A.
Protein change: p.Val1672Glu; replaces valine 1672 with glutamic acid.
Molecular consequence: missense variant.
Genome position (GRCh38, 1-based): chr19:38,485,670, T>A. VCF-style: chr19-38485670-T-A. GRCh37 (hg19) VCF-style: chr19-38976310-T-A.
Other names: c.5015T>A, p.Val1672Glu (NM_001042723.2); short protein forms V1672E.
Identifiers: ClinVar variation 2751265 (VCV002751265.3), dbSNP rs1216252300, ClinGen allele CA405653082.